The following is an entry in ClinVar:

NM_002907.4(RECQL):c.307A>C (p.Thr103Pro)

Gene: RECQL (RecQ like helicase; minus strand). Cytogenetic location: 12p12.1.
Variant type: single nucleotide variant.
Coding change: c.307A>C on transcript NM_002907.4 (MANE Select); coding-DNA position 307, A replaced by C.
Protein change: p.Thr103Pro; replaces threonine 103 with proline.
Molecular consequence: missense variant.
Genome position (GRCh38, 1-based): chr12:21,490,286, T>G on the plus strand (A>C on the coding strand, the complement: RECQL is on the minus strand). VCF-style: chr12-21490286-T-G. GRCh37 (hg19) VCF-style: chr12-21643220-T-G.
Other names: c.307A>C, p.Thr103Pro (NM_032941.3); short protein forms T103P.
Identifiers: ClinVar variation 2446917 (VCV002446917.2), dbSNP rs781546644, ClinGen allele CA6479135.

ClinVar aggregate classification (germline): Uncertain significance (1 of 4 stars; one submission).

Allele frequency attached by ClinVar (database versions not stated): ExAC 0.00002.
gnomAD v4.1: 3 of 1,612,894 alleles (0.00019%); highest among the groups gnomAD compares: Non-Finnish European, 0.00025%; no homozygotes.

Submission:

Ambry Genetics
Classification: Uncertain significance. Last evaluated: 2022-12-11. Review status: criteria provided, single submitter. Criteria: Ambry Variant Classification Scheme 2023. Collection method: clinical testing. Allele origin: germline.
Comment: The p.T103P variant (also known as c.307A>C), located in coding exon 3 of the RECQL gene, results from an A to C substitution at nucleotide position 307. The threonine at codon 103 is replaced by proline, an amino acid with highly similar properties. This amino acid position is conserved. In addition, the in silico prediction for this alteration is inconclusive. Since supporting evidence is limited at this time, the clinical significance of this alteration remains unclear.